The following is an entry in ClinVar:

NM_001080517.3(SETD5):c.2738A>G (p.Lys913Arg)

Gene: SETD5 (SET domain containing 5; plus strand). Cytogenetic location: 3p25.3.
Variant type: single nucleotide variant.
Coding change: c.2738A>G on transcript NM_001080517.3 (MANE Select); coding-DNA position 2738, A replaced by G.
Protein change: p.Lys913Arg; replaces lysine 913 with arginine.
Molecular consequence: missense variant.
Genome position (GRCh38, 1-based): chr3:9,470,472, A>G. VCF-style: chr3-9470472-A-G. GRCh37 (hg19) VCF-style: chr3-9512156-A-G.
Other names: c.2444A>G, p.Lys815Arg (NM_001292043.2, NM_001349451.2); short protein forms K815R, K913R.
Identifiers: ClinVar variation 2633185 (VCV002633185.1), dbSNP rs2473801657, ClinGen allele CA351679927.

ClinVar aggregate classification (germline): Uncertain significance (1 of 4 stars; one submission).

Conditions:
SETD5-related disorder. Also called: SETD5-related disorders; SETD5-related condition.

Submission:

PreventionGenetics, part of Exact Sciences
Classification: Uncertain significance for SETD5-related condition. Last evaluated: 2023-04-14. Review status: criteria provided, single submitter. Criteria: ACMG Guidelines, 2015. Collection method: clinical testing. Allele origin: germline.
Comment: The SETD5 c.2738A>G variant is predicted to result in the amino acid substitution p.Lys913Arg. To our knowledge, this variant has not been reported in the literature or in a large population database, indicating this variant is rare. At this time, the clinical significance of this variant is uncertain due to the absence of conclusive functional and genetic evidence.